The following is an entry in ClinVar:

ClinVar aggregate classification (germline): Uncertain significance (1 of 4 stars; one submission).

Submission:

GeneDx
Classification: Uncertain significance. Last evaluated: 2025-03-06. Review status: criteria provided, single submitter. Criteria: GeneDx Variant Classification Process June 2021. Collection method: clinical testing. Allele origin: germline. Affected: yes.
Comment: Not observed at significant frequency in large population cohorts (gnomAD); In silico analysis indicates that this missense variant does not alter protein structure/function; Has not been previously published as pathogenic or benign to our knowledge

NM_144687.4(NLRP12):c.1435C>G (p.Gln479Glu)

Gene: NLRP12 (NLR family pyrin domain containing 12; minus strand). Cytogenetic location: 19q13.42.
Variant type: single nucleotide variant.
Coding change: c.1435C>G on transcript NM_144687.4 (MANE Select); coding-DNA position 1435, C replaced by G.
Protein change: p.Gln479Glu; replaces glutamine 479 with glutamic acid.
Molecular consequence: missense variant.
Genome position (GRCh38, 1-based): chr19:53,810,224, G>C on the plus strand (C>G on the coding strand, the complement: NLRP12 is on the minus strand). VCF-style: chr19-53810224-G-C. GRCh37 (hg19) VCF-style: chr19-54313478-G-C.
Other names: c.1435C>G, p.Gln479Glu (NM_001277126.2, NM_001277129.1); short protein forms Q479E.
Identifiers: ClinVar variation 4082943 (VCV004082943.1).